The following is an entry in ClinVar:

ClinVar aggregate classification (germline): Uncertain significance (1 of 4 stars; one submission).

Conditions:
Familial focal epilepsy with variable foci (FPEVF). Identifiers: Orphanet 98820, MedGen C1858477, MONDO:0020310.

Submission:

Labcorp Genetics (formerly Invitae), Labcorp
Classification: Uncertain significance for Familial focal epilepsy with variable foci. Last evaluated: 2021-12-28. Review status: criteria provided, single submitter. Criteria: Invitae Variant Classification Sherloc (09022015). Collection method: clinical testing. Allele origin: germline.
Comment: This variant is not present in population databases (gnomAD no frequency). This sequence change replaces arginine, which is basic and polar, with glycine, which is neutral and non-polar, at codon 1098 of the DEPDC5 protein (p.Arg1098Gly). This variant has not been reported in the literature in individuals affected with DEPDC5-related conditions. In summary, the available evidence is currently insufficient to determine the role of this variant in disease. Therefore, it has been classified as a Variant of Uncertain Significance. Algorithms developed to predict the effect of missense changes on protein structure and function are either unavailable or do not agree on the potential impact of this missense change (SIFT: "Deleterious"; PolyPhen-2: "Not Available"; Align-GVGD: "Class C0").

NM_001242896.3(DEPDC5):c.3292C>G (p.Arg1098Gly)

Gene: DEPDC5 (DEP domain containing 5, GATOR1 subcomplex subunit; plus strand). Cytogenetic location: 22q12.3.
Variant type: single nucleotide variant.
Coding change: c.3292C>G on transcript NM_001242896.3 (MANE Select); coding-DNA position 3292, C replaced by G.
Protein change: p.Arg1098Gly; replaces arginine 1098 with glycine.
Molecular consequence: missense variant. On other transcripts: non-coding transcript variant (2), intron variant (5).
Genome position (GRCh38, 1-based): chr22:31,861,395, C>G. VCF-style: chr22-31861395-C-G. GRCh37 (hg19) VCF-style: chr22-32257381-C-G.
Other names: c.3265C>G, p.Arg1089Gly (NM_001136029.4); c.3058C>G, p.Arg1020Gly (NM_001363854.2, NM_001364319.2); c.3292C>G, p.Arg1098Gly (NM_001364318.2); c.3208C>G, p.Arg1070Gly (NM_001369901.1, NM_001369902.1); c.3237+3842C>G (NM_014662.6, NM_001369903.1); c.3264+3842C>G (NM_001363852.2, NM_001364320.2); c.3030+3842C>G (NM_001242897.2); short protein forms R1020G, R1089G, R1070G, R1098G.
Identifiers: ClinVar variation 1479647 (VCV001479647.8), dbSNP rs777509933, ClinGen allele CA411294617.
Genomic context (GRCh38, chr22:31,861,395, plus strand): 5'-TGCTGCTGCTGCTTCCTCCTCCTGTGACTTCAGGACGGGGCCTTCTTTATGGAGTTTGTC[C>G]GCAGCCCACGCACAGCATCGTCCGCCTTCTACCCTCAGGTTAGTCCAACTCCAGGGCTTC-3'
Protein context (NP_001229825.1, residues 1088-1108): KDGAFFMEFV[Arg1098Gly]SPRTASSAFY